The following is an entry in ClinVar:

ClinVar aggregate classification (germline): Benign/Likely benign. Review status: criteria provided, multiple submitters, no conflicts (2 of 4 stars). 4 submissions from 3 submitters: Benign (3); Likely benign (1). Last evaluated 2022-03-15.

Conditions:
Fibromuscular dysplasia, multifocal. Identifiers: MedGen C5543412, MONDO:0859151, OMIM 619329.
Ehlers-Danlos syndrome, classic type, 1 (EDSCL1). Also called: EHLERS-DANLOS SYNDROME, GRAVIS TYPE; EHLERS-DANLOS SYNDROME, SEVERE CLASSIC TYPE; Ehlers-Danlos Syndrome, Classic Type, COL5A1-Related; EDS I; Ehlers-Danlos syndrome, type 1. Identifiers: MedGen C0268335, MONDO:0019567, OMIM 130000.
Ehlers-Danlos syndrome, classic type (cEDS). Identifiers: Orphanet 287, MedGen C4225429, MONDO:0007522.

Allele frequency attached by ClinVar (database versions not stated): gnomAD 0.00413 and 0.00465; TOPMed 0.00493; 1000 Genomes Project 0.00240; 1000 Genomes Project 30x 0.00297.
gnomAD v4.1: 783 of 385,494 alleles (0.2%); highest among the groups gnomAD compares: African/African-American, 1.4%; 5 homozygotes.

Submissions (4):

Genome-Nilou Lab
Classification: Benign for Ehlers-Danlos syndrome, classic type, 1. Last evaluated: 2022-03-15. Review status: criteria provided, single submitter. Criteria: ACMG Guidelines, 2015. Collection method: clinical testing. Allele origin: germline. Affected: no.

Genome-Nilou Lab
Classification: Benign for Fibromuscular dysplasia, multifocal. Last evaluated: 2022-03-15. Review status: criteria provided, single submitter. Criteria: ACMG Guidelines, 2015. Collection method: clinical testing. Allele origin: germline. Affected: no.

GeneDx
Classification: Likely benign. Last evaluated: 2018-08-17. Review status: criteria provided, single submitter. Criteria: GeneDx Variant Classification Process June 2021. Collection method: clinical testing. Allele origin: germline. Affected: yes.

Illumina Laboratory Services, Illumina
Classification: Benign for Ehlers-Danlos syndrome, classic type, 1. Last evaluated: 2018-01-12. Review status: criteria provided, single submitter. Criteria: ICSL Variant Classification Criteria 13 December 2019. Collection method: clinical testing. Allele origin: germline.
Comment: This variant was observed in the ICSL laboratory as part of a predisposition screen in an ostensibly healthy population. It had not been previously curated by ICSL or reported in the Human Gene Mutation Database (HGMD: prior to June 1st, 2018), and was therefore a candidate for classification through an automated scoring system. Utilizing variant allele frequency, disease prevalence and penetrance estimates, and inheritance mode, an automated score was calculated to assess if this variant is too frequent to cause the disease. Based on the score and internal cut-off values, a variant classified as benign is not then subjected to further curation. The score for this variant resulted in a classification of benign for this disease.

NM_000093.5(COL5A1):c.-382C>G

Gene: COL5A1 (collagen type V alpha 1 chain; plus strand). Cytogenetic location: 9q34.3.
Variant type: single nucleotide variant.
Coding change: c.-382C>G on transcript NM_000093.5 (MANE Select); 382 bases upstream of the start codon, C replaced by G.
Molecular consequence: 5 prime UTR variant.
Genome position (GRCh38, 1-based): chr9:134,641,806, C>G. VCF-style: chr9-134641806-C-G. GRCh37 (hg19) VCF-style: chr9-137533652-C-G.
Other names: c.-382C>G (NM_001278074.1).
Identifiers: ClinVar variation 365696 (VCV000365696.10), dbSNP rs555826102, ClinGen allele CA10633118.